The following is an entry in ClinVar:

ClinVar aggregate classification (germline): Uncertain significance (1 of 4 stars; one submission).

Conditions:
Charcot-Marie-Tooth disease axonal type 2O. Also called: CHARCOT-MARIE-TOOTH NEUROPATHY, AXONAL, TYPE 2O; CHARCOT-MARIE-TOOTH DISEASE, AXONAL, AUTOSOMAL DOMINANT, TYPE 2O; Charcot-Marie-Tooth Neuropathy Type 2O; Charcot-Marie-Tooth disease, axonal, type 20. Identifiers: Orphanet 284232, MedGen C3280220, MONDO:0013644, OMIM 614228.

Submission:

Labcorp Genetics (formerly Invitae), Labcorp
Classification: Uncertain significance for Charcot-Marie-Tooth disease axonal type 2O. Last evaluated: 2022-12-26. Review status: criteria provided, single submitter. Criteria: Invitae Variant Classification Sherloc (09022015). Collection method: clinical testing. Allele origin: germline.
Comment: This variant has not been reported in the literature in individuals affected with DYNC1H1-related conditions. In summary, the available evidence is currently insufficient to determine the role of this variant in disease. Therefore, it has been classified as a Variant of Uncertain Significance. This variant is not present in population databases (gnomAD no frequency). This sequence change creates a premature translational stop signal (p.Cys4556Alafs*7) in the DYNC1H1 gene. It is expected to result in an absent or disrupted protein product. However, the current clinical and genetic evidence is not sufficient to establish whether loss-of-function variants in DYNC1H1 cause disease.

NM_001376.5(DYNC1H1):c.13665_13668del (p.Cys4556fs)

Gene: DYNC1H1 (dynein cytoplasmic 1 heavy chain 1; plus strand). Cytogenetic location: 14q32.31.
Variant type: Deletion.
Coding change: c.13665_13668del on transcript NM_001376.5 (MANE Select); coding-DNA positions 13665 to 13668, 4 bases deleted (TTGC; older notation c.13665_13668delTTGC).
Protein change: p.Cys4556fs; shifts the reading frame from cysteine 4556.
Molecular consequence: frameshift variant.
Genome position (GRCh38, 1-based): chr14:102,049,863-102,049,866, TTGC deleted; deleting any 4 consecutive bases within chr14:102,049,861-102,049,866 gives the same sequence; the c. name uses the placement nearest the transcript's 3' end. VCF-style (leftmost placement, unchanged base first): chr14-102049860-CGCTT-C. GRCh37 (hg19) VCF-style: chr14-102516197-CGCTT-C.
Other names: short protein forms C4556fs.
Identifiers: ClinVar variation 2824279 (VCV002824279.3), dbSNP rs2503890066, ClinGen allele CA2626614676.